The following is an entry in ClinVar:

ClinVar aggregate classification (germline): Uncertain significance (1 of 4 stars; one submission).

Submission:

Labcorp Genetics (formerly Invitae), Labcorp
Classification: Uncertain significance. Last evaluated: 2025-04-17. Review status: criteria provided, single submitter. Criteria: Invitae Variant Classification Sherloc (09022015). Collection method: clinical testing. Allele origin: germline.
Comment: This sequence change replaces leucine, which is neutral and non-polar, with valine, which is neutral and non-polar, at codon 937 of the CHD8 protein (p.Leu937Val). This variant is not present in population databases (gnomAD no frequency). This variant has not been reported in the literature in individuals affected with CHD8-related conditions. Invitae Evidence Modeling of protein sequence and biophysical properties (such as structural, functional, and spatial information, amino acid conservation, physicochemical variation, residue mobility, and thermodynamic stability) indicates that this missense variant is not expected to disrupt CHD8 protein function with a negative predictive value of 95%. In summary, the available evidence is currently insufficient to determine the role of this variant in disease. Therefore, it has been classified as a Variant of Uncertain Significance.

NM_001170629.2(CHD8):c.2809C>G (p.Leu937Val)

Gene: CHD8 (chromodomain helicase DNA binding protein 8; minus strand). Cytogenetic location: 14q11.2.
Variant type: single nucleotide variant.
Coding change: c.2809C>G on transcript NM_001170629.2 (MANE Select); coding-DNA position 2809, C replaced by G.
Protein change: p.Leu937Val; replaces leucine 937 with valine.
Molecular consequence: missense variant.
Genome position (GRCh38, 1-based): chr14:21,406,954, G>C on the plus strand (C>G on the coding strand, the complement: CHD8 is on the minus strand). VCF-style: chr14-21406954-G-C. GRCh37 (hg19) VCF-style: chr14-21875113-G-C.
Other names: c.1972C>G, p.Leu658Val (NM_020920.4); short protein forms L658V, L937V.
Identifiers: ClinVar variation 4803896 (VCV004803896.1).